The following is an entry in ClinVar:

NM_000381.4(MID1):c.1216G>A (p.Asp406Asn)

Gene: MID1 (midline 1; minus strand). Cytogenetic location: Xp22.2.
Variant type: single nucleotide variant.
Coding change: c.1216G>A on transcript NM_000381.4 (MANE Select); coding-DNA position 1216, G replaced by A.
Protein change: p.Asp406Asn; replaces aspartic acid 406 with asparagine.
Molecular consequence: missense variant.
Genome position (GRCh38, 1-based): chrX:10,469,766, C>T on the plus strand (G>A on the coding strand, the complement: MID1 is on the minus strand). VCF-style: chrX-10469766-C-T. GRCh37 (hg19) VCF-style: chrX-10437806-C-T.
Other names: c.1216G>A, p.Asp406Asn (NM_001193279.1, NM_001347733.2, NM_033290.4 and 2 more transcripts); c.1102G>A, p.Asp368Asn (NM_001193280.1, NM_033289.2); c.1369G>A, p.Asp457Asn (NM_001193278.1); short protein forms D457N, D406N, D368N.
Identifiers: ClinVar variation 4762147 (VCV004762147.1).

ClinVar aggregate classification (germline): Uncertain significance (1 of 4 stars; one submission).

gnomAD v4.1: 3 of 1,210,381 alleles (0.00025%); highest among the groups gnomAD compares: Non-Finnish European, 0.00034%; no homozygotes.

Submission:

Labcorp Genetics (formerly Invitae), Labcorp
Classification: Uncertain significance. Last evaluated: 2025-08-04. Review status: criteria provided, single submitter. Criteria: Invitae Variant Classification Sherloc (09022015). Collection method: clinical testing. Allele origin: germline.
Comment: This sequence change replaces aspartic acid, which is acidic and polar, with asparagine, which is neutral and polar, at codon 406 of the MID1 protein (p.Asp406Asn). This variant is not present in population databases (gnomAD no frequency). This variant has not been reported in the literature in individuals affected with MID1-related conditions. Invitae Evidence Modeling of protein sequence and biophysical properties (such as structural, functional, and spatial information, amino acid conservation, physicochemical variation, residue mobility, and thermodynamic stability) indicates that this missense variant is not expected to disrupt MID1 protein function with a negative predictive value of 80%. In summary, the available evidence is currently insufficient to determine the role of this variant in disease. Therefore, it has been classified as a Variant of Uncertain Significance.